The following is an entry in ClinVar:

NC_000010.10:g.(?_85960337)_(85974377_?)dup

Gene: CDHR1 (cadherin related family member 1; plus strand). Cytogenetic location: 10q23.1.
Variant type: Duplication.
Identifiers: ClinVar variation 2427120 (VCV002427120.3).

ClinVar aggregate classification (germline): Uncertain significance (1 of 4 stars; one submission).

Submission:

Labcorp Genetics (formerly Invitae), Labcorp
Classification: Uncertain significance. Last evaluated: 2022-06-22. Review status: criteria provided, single submitter. Criteria: Invitae Variant Classification Sherloc (09022015). Collection method: clinical testing. Allele origin: germline.
Comment: This variant results in a copy number gain of the genomic region encompassing exon(s) 6-17 of the CDHR1 gene. This region includes the termination codon of the gene. This copy number gain extends beyond the assayed region for this gene and therefore may encompass additional genes. As the precise location of this event is unknown, it may be in tandem or it may be located elsewhere in the genome. This variant has not been reported in the literature in individuals affected with CDHR1-related conditions. Experimental studies and prediction algorithms are not available or were not evaluated, and the functional significance of this variant is currently unknown. In summary, the available evidence is currently insufficient to determine the role of this variant in disease. Therefore, it has been classified as a Variant of Uncertain Significance.